The following is an entry in ClinVar:

ClinVar aggregate classification (germline): Pathogenic (1 of 4 stars; one submission).

Conditions:
Nemaline myopathy 2 (NEM2). Also called: Nemaline myopathy 2, autosomal recessive. Identifiers: MedGen C1850569, MONDO:0009725, OMIM 256030.

Submission:

Labcorp Genetics (formerly Invitae), Labcorp
Classification: Pathogenic for Nemaline myopathy 2. Last evaluated: 2022-12-22. Review status: criteria provided, single submitter. Criteria: Invitae Variant Classification Sherloc (09022015). Collection method: clinical testing. Allele origin: germline.
Comment: For these reasons, this variant has been classified as Pathogenic. This variant has not been reported in the literature in individuals affected with NEB-related conditions. This variant is not present in population databases (gnomAD no frequency). This sequence change creates a premature translational stop signal (p.Asp1386Thrfs*44) in the NEB gene. It is expected to result in an absent or disrupted protein product. Loss-of-function variants in NEB are known to be pathogenic (PMID: 25205138).

Literature cited by the submitters: PubMed 25205138.

NM_001164508.2(NEB):c.4151_4152insAGGAACACCAAAACCAGCTACCATACCCC (p.Asp1386fs)

Gene: NEB (nebulin; minus strand). Cytogenetic location: 2q23.3.
Variant type: Microsatellite.
Coding change: c.4151_4152insAGGAACACCAAAACCAGCTACCATACCCC on transcript NM_001164508.2 (MANE Select); coding-DNA positions 4151 to 4152, AGGAACACCAAAACCAGCTACCATACCCC inserted.
Protein change: p.Asp1386fs; shifts the reading frame from aspartic acid 1386.
Molecular consequence: frameshift variant.
Genome position: GRCh38 VCF-style: chr2-151672516-A-AGGGGTATGGTAGCTGGTTTTGGTGTTCCT. GRCh37 (hg19) VCF-style: chr2-152529030-A-AGGGGTATGGTAGCTGGTTTTGGTGTTCCT.
Other names: c.4151_4152insAGGAACACCAAAACCAGCTACCATACCCC, p.Asp1386fs (NM_001164507.2, NM_001271208.2, NM_004543.5); short protein forms D1386fs.
Identifiers: ClinVar variation 2819570 (VCV002819570.3), dbSNP rs2552260630.